The following is an entry in ClinVar:

ClinVar aggregate classification (germline): Uncertain significance. Review status: criteria provided, multiple submitters, no conflicts (2 of 4 stars). 2 submissions from 2 submitters: Uncertain significance (2). Last evaluated 2024-06-13.

Allele frequency attached by ClinVar (database versions not stated): gnomAD exomes 0.00002 and 0.00010; gnomAD 0.00006; ExAC 0.00007; TOPMed 0.00014; 1000 Genomes Project 30x 0.00016; 1000 Genomes Project 0.00020.
gnomAD v4.1: 44 of 1,612,232 alleles (0.0027%); highest among the groups gnomAD compares: Admixed American, 0.052%; no homozygotes.

Submissions (2):

Blueprint Genetics
Classification: Uncertain significance. Last evaluated: 2024-06-13. Review status: criteria provided, single submitter. Criteria: ACMG Guidelines, 2015. Collection method: clinical testing. Allele origin: germline.

Labcorp Genetics (formerly Invitae), Labcorp
Classification: Uncertain significance. Last evaluated: 2022-07-19. Review status: criteria provided, single submitter. Criteria: Invitae Variant Classification Sherloc (09022015). Collection method: clinical testing. Allele origin: germline.
Comment: This sequence change replaces alanine, which is neutral and non-polar, with aspartic acid, which is acidic and polar, at codon 13 of the TULP1 protein (p.Ala13Asp). This variant is present in population databases (rs187701943, gnomAD 0.07%). This variant has not been reported in the literature in individuals affected with TULP1-related conditions. ClinVar contains an entry for this variant (Variation ID: 1054778). Algorithms developed to predict the effect of missense changes on protein structure and function are either unavailable or do not agree on the potential impact of this missense change (SIFT: "Not Available"; PolyPhen-2: "Probably Damaging"; Align-GVGD: "Not Available"). In summary, the available evidence is currently insufficient to determine the role of this variant in disease. Therefore, it has been classified as a Variant of Uncertain Significance.

NM_003322.6(TULP1):c.38C>A (p.Ala13Asp)

Gene: TULP1 (TUB like protein 1; minus strand). Cytogenetic location: 6p21.31.
Variant type: single nucleotide variant.
Coding change: c.38C>A on transcript NM_003322.6 (MANE Select); coding-DNA position 38, C replaced by A.
Protein change: p.Ala13Asp; replaces alanine 13 with aspartic acid.
Molecular consequence: missense variant.
Genome position (GRCh38, 1-based): chr6:35,512,821, G>T on the plus strand (C>A on the coding strand, the complement: TULP1 is on the minus strand). VCF-style: chr6-35512821-G-T. GRCh37 (hg19) VCF-style: chr6-35480598-G-T.
Other names: c.38C>A, p.Ala13Asp (NM_001289395.2); short protein forms A13D.
Identifiers: ClinVar variation 1054778 (VCV001054778.7), dbSNP rs187701943, ClinGen allele CA3773063.
Genomic context (GRCh38, chr6:35,512,821, plus strand): 5'-CCATCTAGGCCCCCCAGGGTTCAGGTGCCACGAACTGGGGGCCTTCCAGACCTGTCAGAG[G>T]CCCACACCTCTCGGAGGGTTTCATCCCGCAGAGGCATGGTGCCTTTGCCTATCGCACCCC-3'
Protein context (NP_003313.3, residues 3-23): LRDETLREVW[Ala13Asp]SDSGHEEESL